The following is an entry in ClinVar:

ClinVar aggregate classification (germline): Conflicting classifications of pathogenicity. Review status: criteria provided, conflicting classifications (1 of 4 stars). 2 submissions from 2 submitters: Uncertain significance (1); Likely benign (1). Last evaluated 2023-03-23.

Conditions:
Hereditary cancer-predisposing syndrome. Also called: Hereditary neoplastic syndrome; Tumor predisposition; Neoplastic Syndromes, Hereditary; Hereditary Cancer Syndrome. Identifiers: Orphanet 140162, MedGen C0027672, MeSH D009386, MONDO:0015356.
Hereditary breast ovarian cancer syndrome. Also called: Hereditary breast and ovarian cancer; Breast and ovarian cancer; BRCA1- and BRCA2-Associated Hereditary Breast and Ovarian Cancer; Hereditary breast and/or ovarian cancer syndrome; Hereditary breast and ovarian cancer syndrome; Hereditary breast and ovarian cancer syndrome (HBOC). Identifiers: Orphanet 145, MedGen C0677776, MeSH D061325, MONDO:0003582. Disease mechanism: loss of function.

Allele frequency attached by ClinVar (database versions not stated): gnomAD exomes below 0.00001.
gnomAD v4.1: 1 of 1,613,860 alleles (0.000062%); highest among the groups gnomAD compares: Non-Finnish European, 0.000085%; no homozygotes.

Submissions (2):

University of Washington Department of Laboratory Medicine, University of Washington
Classification: Likely benign for Hereditary cancer-predisposing syndrome. Last evaluated: 2023-03-23. Review status: criteria provided, single submitter. Criteria: Dines et al. (Genet Med. 2020). Collection method: curation. Allele origin: germline.
Comment: Missense variant in a coldspot region where missense variants are very unlikely to be pathogenic (PMID:31911673).

BRCA2 exon 11 coldspot. Reclassification based on statistical prior probability.

Labcorp Genetics (formerly Invitae), Labcorp
Classification: Uncertain significance for Hereditary breast ovarian cancer syndrome. Last evaluated: 2021-03-18. Review status: criteria provided, single submitter. Criteria: Invitae Variant Classification Sherloc (09022015). Collection method: clinical testing. Allele origin: germline.
Comment: This sequence change replaces aspartic acid with tyrosine at codon 932 of the BRCA2 protein (p.Asp932Tyr). The aspartic acid residue is weakly conserved and there is a large physicochemical difference between aspartic acid and tyrosine. This variant is not present in population databases (ExAC no frequency). This variant has not been reported in the literature in individuals with BRCA2-related conditions. Advanced modeling of protein sequence and biophysical properties (such as structural, functional, and spatial information, amino acid conservation, physicochemical variation, residue mobility, and thermodynamic stability) performed at Invitae indicates that this missense variant is not expected to disrupt BRCA2 protein function. In summary, the available evidence is currently insufficient to determine the role of this variant in disease. Therefore, it has been classified as a Variant of Uncertain Significance.

NM_000059.4(BRCA2):c.2794G>T (p.Asp932Tyr)

Gene: BRCA2 (BRCA2 DNA repair associated; plus strand). Cytogenetic location: 13q13.1.
Variant type: single nucleotide variant.
Coding change: c.2794G>T on transcript NM_000059.4 (MANE Select); coding-DNA position 2794, G replaced by T.
Protein change: p.Asp932Tyr; replaces aspartic acid 932 with tyrosine.
Molecular consequence: missense variant.
Genome position (GRCh38, 1-based): chr13:32,337,149, G>T. VCF-style: chr13-32337149-G-T. GRCh37 (hg19) VCF-style: chr13-32911286-G-T.
Other names: short protein forms D932Y.
Identifiers: ClinVar variation 1503273 (VCV001503273.9), dbSNP rs2137489980, ClinGen allele CA387773733.
Genomic context (GRCh38, chr13:32,337,149, plus strand): 5'-ACAGACTTGACTTGTGTAAACGAACCCATTTTCAAGAACTCTACCATGGTTTTATATGGA[G>T]ACACAGGTGATAAACAAGCAACCCAAGTGTCAATTAAAAAAGATTTGGTTTATGTTCTTG-3'
Protein context (NP_000050.3, residues 922-942): FKNSTMVLYG[Asp932Tyr]TGDKQATQVS